The following is an entry in ClinVar:

ClinVar aggregate classification (germline): Pathogenic. Review status: criteria provided, multiple submitters, no conflicts (2 of 4 stars). 7 submissions from 7 submitters: Pathogenic (6). 1 of the submissions does not count toward it. Last evaluated 2026-03-10.

Conditions:
Differences in sex development.
DHX37-related disorder. Also called: DHX37-related condition; DHX37-Related Disorders.
46,XY sex reversal 11. Also called: Testicular regression syndrome; Vanishing testis; ANORCHIA, FAMILIAL; TESTICULAR REGRESSION, EMBRYONIC. Identifiers: Orphanet 983, MedGen C0266427, MONDO:8000015, OMIM 273250, HP:0012870.

Allele frequency attached by ClinVar (database versions not stated): TOPMed below 0.00001; gnomAD 0.00001.
gnomAD v4.1: 2 of 1,612,640 alleles (0.00012%); highest among the groups gnomAD compares: African/African-American, 0.0013%; no homozygotes.

Submissions (7):

Victorian Clinical Genetics Services, Murdoch Childrens Research Institute
Classification: Pathogenic for 46,XY sex reversal 11. Last evaluated: 2026-03-10. Review status: criteria provided, single submitter. Criteria: ACMG Guidelines, 2015. Collection method: clinical testing. Allele origin: germline. Affected: yes.
Comment: This variant is classified as Pathogenic. Evidence in support of pathogenic classification: Variant is present in gnomAD <0.01 (v4: 2 heterozygote(s), 0 homozygote(s)); This variant has strong previous evidence of pathogenicity in unrelated individuals. This variant has been classified as pathogenic by clinical laboratories in ClinVar, and reported in many individuals with differences of sex development (PMIDs: 31287541, 37240737). Additional information: Variant is predicted to result in a missense amino acid change from arginine to glutamine; This variant is heterozygous; This gene is associated with both recessive and dominant disease. Monoallelic variants are associated with 46,XY sex reversal 11 (MIM#273250), while biallelic variants are associated with neurodevelopmental disorder with brain anomalies with or without vertebral or cardiac anomalies (MIM#618731) (OMIM); Variant is located in the annotated DEAD/DEAH box helicase domain (DECIPHER); The mechanism of disease for this gene is not clearly established; Inheritance information for this variant is not currently available in this individual.

3billion
Classification: Pathogenic for 46,XY sex reversal 11. Last evaluated: 2026-01-11. Review status: criteria provided, single submitter. Criteria: ACMG Guidelines, 2015. Collection method: clinical testing. Allele origin: germline. Affected: yes.
Comment: The variant is observed at an extremely low frequency in the gnomAD v4.1.0 dataset (total allele frequency: 0.001%). Predicted Consequence/Location: Missense variant In silico tool predictions suggest damaging effect of the variant on gene or gene product [3Cnet: 0.95 (> 0.75, sensitivity 0.96 and precision 0.92)]. The same nucleotide change resulting in the same amino acid change has been previously reported as pathogenic/likely pathogenic with strong evidence (ClinVar ID: VCV000869420 /PMID: 31287541 /3billion dataset). The variant has been previously reported as de novo in at least two similarly affected unrelated individuals (PMID: 31337883). The variant has been observed in multiple (>3) similarly affected unrelated individuals (PMID: 31337883). Therefore, this variant is classified as Pathogenic according to the recommendation of ACMG/AMP guideline.

NHS Central & South Genomic Laboratory Hub
Classification: Pathogenic for Differences in sex development. Last evaluated: 2025-10-21. Review status: criteria provided, single submitter. Criteria: ACMG Guidelines, 2015. Collection method: clinical testing. Allele origin: germline. Affected: yes.

GeneDx
Classification: Pathogenic. Last evaluated: 2025-07-25. Review status: criteria provided, single submitter. Criteria: GeneDx Variant Classification Process June 2021. Collection method: clinical testing. Allele origin: germline. Affected: yes.
Comment: In silico analysis supports that this missense variant has a deleterious effect on protein structure/function; This variant is associated with the following publications: (PMID: 37240737, 35134971, 33057194, 37147882, 35982159, 31337883, 31287541, 31745530, 31785789, 35561789, 34293745)

Women's Health and Genetics/Laboratory Corporation of America, LabCorp
Classification: Pathogenic for DHX37-Related Disorders. Last evaluated: 2024-03-27. Review status: criteria provided, single submitter. Criteria: LabCorp Variant Classification Summary - May 2015. Collection method: clinical testing. Allele origin: germline.
Comment: Variant summary: DHX37 c.923G>A (p.Arg308Gln) results in a conservative amino acid change located in the DEAD/DEAH box helicase domain of the encoded protein sequence. Four of five in-silico tools predict a damaging effect of the variant on protein function. The variant was absent in 249094 control chromosomes. c.923G>A has been reported in the literature in multiple individuals affected with 46,XY disorder of sex development, including numerous de novo occurrences (eg. McElreavey_2020, Rodrigues de Oliveira_2023). The following publications have been ascertained in the context of this evaluation (PMID: 31337883, 37240737). ClinVar contains an entry for this variant (Variation ID: 869420). Based on the evidence outlined above, the variant was classified as pathogenic.

Laboratory of Medical Genetics, National & Kapodistrian University of Athens
Classification: Pathogenic for 46,XY sex reversal 11. Last evaluated: 2019-09-16. Review status: criteria provided, single submitter. Criteria: ACMG Guidelines, 2015. Collection method: clinical testing. Allele origin: de novo. Affected: yes.
Comment: PS2, PM1, PM2, PP3, PP5

OMIM
Classification: Pathogenic for 46,XY SEX REVERSAL 11. Last evaluated: 2020-04-22. Review status: no assertion criteria provided. Collection method: literature only. Allele origin: germline. Not counted in ClinVar's aggregate classification.

Literature cited by the submitters: PubMed 31287541 (cited by 3 submitters); PubMed 37240737 (cited by Victorian Clinical Genetics Services, Murdoch Childrens Research Institute and Women's Health and Genetics/Laboratory Corporation of America, LabCorp); PubMed 31337883 (cited by 3 submitters).

NM_032656.4(DHX37):c.923G>A (p.Arg308Gln)

Gene: DHX37 (DEAH-box helicase 37; minus strand). Cytogenetic location: 12q24.31.
Variant type: single nucleotide variant.
Coding change: c.923G>A on transcript NM_032656.4 (MANE Select); coding-DNA position 923, G replaced by A.
Protein change: p.Arg308Gln; replaces arginine 308 with glutamine.
Molecular consequence: missense variant.
Genome position (GRCh38, 1-based): chr12:124,975,476, C>T on the plus strand (G>A on the coding strand, the complement: DHX37 is on the minus strand). VCF-style: chr12-124975476-C-T. GRCh37 (hg19) VCF-style: chr12-125460022-C-T.
Other names: c.923G>A (NM_032656.2); short protein forms R308Q.
Identifiers: ClinVar variation 869420 (VCV000869420.17), dbSNP rs1384892917, ClinGen allele CA387226934.